The following is an entry in ClinVar:

ClinVar aggregate classification (germline): Uncertain significance (0 of 4 stars; one submission).

Conditions:
NR0B2-related disorder. Also called: NR0B2-related condition.

gnomAD v4.1: 6 of 1,614,216 alleles (0.00037%); highest among the groups gnomAD compares: Non-Finnish European, 0.00051%; no homozygotes.

Submission:

PreventionGenetics, part of Exact Sciences
Classification: Uncertain significance for NR0B2-related condition. Last evaluated: 2024-09-19. Review status: no assertion criteria provided. Collection method: clinical testing. Allele origin: germline.
Comment: The NR0B2 c.599G>A variant is predicted to result in the amino acid substitution p.Cys200Tyr. To our knowledge, this variant has not been reported in the literature. This variant is reported in 0.0018% of alleles in individuals of European (Non-Finnish) descent in gnomAD. At this time, the clinical significance of this variant is uncertain due to the absence of conclusive functional and genetic evidence.

NM_021969.3(NR0B2):c.599G>A (p.Cys200Tyr)

Genes: NR0B2 (nuclear receptor subfamily 0 group B member 2; minus strand), NUDC (nuclear distribution C, dynein complex regulator; plus strand). Cytogenetic location: 1p36.11.
Variant type: single nucleotide variant.
Coding change: c.599G>A on transcript NM_021969.3 (MANE Select); coding-DNA position 599, G replaced by A.
Protein change: p.Cys200Tyr; replaces cysteine 200 with tyrosine.
Molecular consequence: missense variant.
Genome position (GRCh38, 1-based): chr1:26,912,020, C>T on the plus strand (G>A on the coding strand, the complement: NR0B2 is on the minus strand). VCF-style: chr1-26912020-C-T. GRCh37 (hg19) VCF-style: chr1-27238511-C-T.
Other names: short protein forms C200Y.
Identifiers: ClinVar variation 3356153 (VCV003356153.1).